The following is an entry in ClinVar:

ClinVar aggregate classification (germline): Benign (1 of 4 stars; one submission).

Allele frequency attached by ClinVar (database versions not stated): 1000 Genomes Project 30x 0.03998; 1000 Genomes Project 0.04073; TOPMed 0.07417; gnomAD 0.08200 and 0.08370; gnomAD exomes 0.09041.
gnomAD v4.1: 49,919 of 566,548 alleles (8.8%); highest among the groups gnomAD compares: Non-Finnish European, 11%; 2,765 homozygotes.

Submissions (11):

GeneDx
Classification: Benign. Last evaluated: 2018-06-14. Review status: criteria provided, single submitter. Criteria: GeneDx Variant Classification (06012015). Collection method: clinical testing. Allele origin: germline. Affected: yes.
Comment: This variant is considered likely benign or benign based on one or more of the following criteria: it is a conservative change, it occurs at a poorly conserved position in the protein, it is predicted to be benign by multiple in silico algorithms, and/or has population frequency not consistent with disease.

Dr. Peter K. Rogan Lab, Western University
No classification provided (evidence only). Condition: Lung cancer. Review status: no classification provided. Collection method: in vitro. Allele origin: not applicable. Functional consequence: retained intron. Not counted in ClinVar's aggregate classification.

Dr. Peter K. Rogan Lab, Western University
No classification provided (evidence only). Condition: Uterine corpus endometrial carcinoma. Review status: no classification provided. Collection method: in vitro. Allele origin: not applicable. Functional consequence: retained intron. Not counted in ClinVar's aggregate classification.

Dr. Peter K. Rogan Lab, Western University
No classification provided (evidence only). Condition: Uterine corpus endometrial carcinoma. Review status: no classification provided. Collection method: in vitro. Allele origin: not applicable. Functional consequence: retained intron. Not counted in ClinVar's aggregate classification.

Dr. Peter K. Rogan Lab, Western University
No classification provided (evidence only). Condition: Cervical cancer. Review status: no classification provided. Collection method: in vitro. Allele origin: not applicable. Functional consequence: skipped exon, retained intron. Not counted in ClinVar's aggregate classification.

Dr. Peter K. Rogan Lab, Western University
No classification provided (evidence only). Condition: Cervical cancer. Review status: no classification provided. Collection method: in vitro. Allele origin: not applicable. Functional consequence: retained intron. Not counted in ClinVar's aggregate classification.

Dr. Peter K. Rogan Lab, Western University
No classification provided (evidence only). Condition: Sarcoma. Review status: no classification provided. Collection method: in vitro. Allele origin: not applicable. Functional consequence: retained intron. Not counted in ClinVar's aggregate classification.

Dr. Peter K. Rogan Lab, Western University
No classification provided (evidence only). Condition: Sarcoma. Review status: no classification provided. Collection method: in vitro. Allele origin: not applicable. Functional consequence: skipped exon. Not counted in ClinVar's aggregate classification.

Dr. Peter K. Rogan Lab, Western University
No classification provided (evidence only). Condition: Sarcoma. Review status: no classification provided. Collection method: in vitro. Allele origin: not applicable. Functional consequence: skipped exon. Not counted in ClinVar's aggregate classification.

Dr. Peter K. Rogan Lab, Western University
No classification provided (evidence only). Condition: Sarcoma. Review status: no classification provided. Collection method: in vitro. Allele origin: not applicable. Functional consequence: skipped exon. Not counted in ClinVar's aggregate classification.

Dr. Peter K. Rogan Lab, Western University
No classification provided (evidence only). Condition: Uterine carcinosarcoma. Review status: no classification provided. Collection method: in vitro. Allele origin: not applicable. Functional consequence: retained intron. Not counted in ClinVar's aggregate classification.

NM_025150.5(TARS2):c.695+193C>G

Gene: TARS2 (threonyl-tRNA synthetase 2, mitochondrial; plus strand). Cytogenetic location: 1q21.2.
Variant type: single nucleotide variant.
Coding change: c.695+193C>G on transcript NM_025150.5 (MANE Select); 193 bases into the intron after coding-DNA position 695, C replaced by G.
Molecular consequence: intron variant.
Genome position (GRCh38, 1-based): chr1:150,491,855, C>G. VCF-style: chr1-150491855-C-G. GRCh37 (hg19) VCF-style: chr1-150464331-C-G.
Other names: NC_000001.10:g.150464331C>G; c.695+193C>G (NM_001271895.2); c.630+344C>G (NM_001271896.2).
Identifiers: ClinVar variation 680807 (VCV000680807.2), dbSNP rs112103825, ClinGen allele CA10847930.